The following is an entry in ClinVar:

NM_001379451.1(BCORL1):c.5146C>G (p.Arg1716Gly)

Gene: BCORL1 (BCL6 corepressor like 1; plus strand). Cytogenetic location: Xq26.1.
Variant type: single nucleotide variant.
Coding change: c.5146C>G on transcript NM_001379451.1 (MANE Select); coding-DNA position 5146, C replaced by G.
Protein change: p.Arg1716Gly; replaces arginine 1716 with glycine.
Molecular consequence: missense variant.
Genome position (GRCh38, 1-based): chrX:130,055,924, C>G. VCF-style: chrX-130055924-C-G. GRCh37 (hg19) VCF-style: chrX-129189899-C-G.
Other names: c.5146C>G, p.Arg1716Gly (NM_001184772.3, NM_001379450.1, NM_001441326.1 and 2 more transcripts); c.4756C>G, p.Arg1586Gly (NM_001441329.1, NM_001441330.1, NM_001441331.1 and 1 more transcripts); c.4924C>G, p.Arg1642Gly (NM_021946.5); short protein forms R1586G, R1642G, R1716G.
Identifiers: ClinVar variation 4530725 (VCV004530725.1).

ClinVar aggregate classification (germline): Uncertain significance (1 of 4 stars; one submission).

Submission:

GeneDx
Classification: Uncertain significance. Last evaluated: 2025-05-21. Review status: criteria provided, single submitter. Criteria: GeneDx Variant Classification Process June 2021. Collection method: clinical testing. Allele origin: germline. Affected: yes.
Comment: Not observed at significant frequency in large population cohorts (gnomAD); In silico analysis supports that this missense variant has a deleterious effect on protein structure/function; Has not been previously published as pathogenic or benign to our knowledge